The following is an entry in ClinVar:

NM_000334.4(SCN4A):c.3240G>C (p.Met1080Ile)

Genes: GH-LCR (growth hormone locus control region; plus strand), SCN4A (sodium voltage-gated channel alpha subunit 4; minus strand). Cytogenetic location: 17q23.3.
Variant type: single nucleotide variant.
Coding change: c.3240G>C on transcript NM_000334.4 (MANE Select); coding-DNA position 3240, G replaced by C.
Protein change: p.Met1080Ile; replaces methionine 1080 with isoleucine.
Molecular consequence: missense variant.
Genome position (GRCh38, 1-based): chr17:63,947,968, C>G on the plus strand (G>C on the coding strand, the complement: SCN4A is on the minus strand). VCF-style: chr17-63947968-C-G. GRCh37 (hg19) VCF-style: chr17-62025328-C-G.
Other names: short protein forms M1080I.
Identifiers: ClinVar variation 1313114 (VCV001313114.2), dbSNP rs2144782622, ClinGen allele CA400621102.

ClinVar aggregate classification (germline): Uncertain significance (1 of 4 stars; one submission).

Submission:

GeneDx
Classification: Uncertain significance. Last evaluated: 2020-07-17. Review status: criteria provided, single submitter. Criteria: GeneDx Variant Classification Process June 2021. Collection method: clinical testing. Allele origin: germline. Affected: yes.
Comment: Not observed in large population cohorts (Lek et al., 2016); In silico analysis supports that this missense variant has a deleterious effect on protein structure/function; Has not been previously published as pathogenic or benign to our knowledge